The following is an entry in ClinVar:

ClinVar aggregate classification (germline): Uncertain significance (1 of 4 stars; one submission).

Conditions:
Beckwith-Wiedemann syndrome (BWS). Also called: EMG SYNDROME; Exomphalos macroglossia gigantism syndrome. Identifiers: Orphanet 116, MedGen C0004903, MONDO:0007534, OMIM 130650.

Submission:

Labcorp Genetics (formerly Invitae), Labcorp
Classification: Uncertain significance for Beckwith-Wiedemann syndrome. Last evaluated: 2020-04-08. Review status: criteria provided, single submitter. Criteria: Invitae Variant Classification Sherloc (09022015). Collection method: clinical testing. Allele origin: germline.
Comment: In summary, this variant is a novel missense change with uncertain impact on protein function. It has been classified as a Variant of Uncertain Significance. Algorithms developed to predict the effect of missense changes on protein structure and function do not agree on the potential impact of this missense change (SIFT: "Tolerated"; PolyPhen-2: "Possibly Damaging"; Align-GVGD: "Class C0"). While this variant is not present in population databases, the frequency information is unreliable, as metrics indicate poor data quality at this position in the ExAC database. This variant has not been reported in the literature in an individual with a CDKN1C-related disease. This sequence change replaces valine with isoleucine at codon 165 of the CDKN1C protein (p.Val165Ile). The valine residue is weakly conserved and there is a small physicochemical difference between valine and isoleucine.

NM_001122630.2(CDKN1C):c.460G>A (p.Val154Ile)

Gene: CDKN1C (cyclin dependent kinase inhibitor 1C; minus strand). Cytogenetic location: 11p15.4.
Variant type: single nucleotide variant.
Coding change: c.460G>A on transcript NM_001122630.2 (MANE Select); coding-DNA position 460, G replaced by A.
Protein change: p.Val154Ile; replaces valine 154 with isoleucine.
Molecular consequence: missense variant. On other transcripts: intron variant (1).
Genome position (GRCh38, 1-based): chr11:2,884,997, C>T on the plus strand (G>A on the coding strand, the complement: CDKN1C is on the minus strand). VCF-style: chr11-2884997-C-T. GRCh37 (hg19) VCF-style: chr11-2906227-C-T.
Other names: c.493G>A, p.Val165Ile (NM_000076.2, NM_001362474.2, LRG_533t1); c.460G>A, p.Val154Ile (NM_001122631.2); c.255+205G>A (NM_001362475.2); short protein forms V165I, V154I.
Identifiers: ClinVar variation 404240 (VCV000404240.8), dbSNP rs1060500172, ClinGen allele CA16613301.